The following is an entry in ClinVar:

ClinVar aggregate classification (germline): Uncertain significance (1 of 4 stars; one submission).

Conditions:
Koolen-de Vries syndrome (KDVS). Identifiers: Orphanet 96169, MedGen C1864871, MONDO:0012496, OMIM 610443.

Allele frequency attached by ClinVar (database versions not stated): TOPMed below 0.00001; ExAC 0.00001; gnomAD 0.00001; gnomAD exomes 0.00001.
gnomAD v4.1: 9 of 1,608,176 alleles (0.00056%); highest among the groups gnomAD compares: Admixed American, 0.005%; no homozygotes.

Submission:

Labcorp Genetics (formerly Invitae), Labcorp
Classification: Uncertain significance for Koolen-de Vries syndrome. Last evaluated: 2024-06-04. Review status: criteria provided, single submitter. Criteria: Invitae Variant Classification Sherloc (09022015). Collection method: clinical testing. Allele origin: germline.
Comment: This sequence change replaces cysteine, which is neutral and slightly polar, with arginine, which is basic and polar, at codon 539 of the KANSL1 protein (p.Cys539Arg). This variant is present in population databases (rs745919501, gnomAD 0.009%). This variant has not been reported in the literature in individuals affected with KANSL1-related conditions. Advanced modeling of protein sequence and biophysical properties (such as structural, functional, and spatial information, amino acid conservation, physicochemical variation, residue mobility, and thermodynamic stability) performed at Invitae indicates that this missense variant is not expected to disrupt KANSL1 protein function with a negative predictive value of 80%. In summary, the available evidence is currently insufficient to determine the role of this variant in disease. Therefore, it has been classified as a Variant of Uncertain Significance.

NM_015443.4(KANSL1):c.1615T>C (p.Cys539Arg)

Gene: KANSL1 (KAT8 regulatory NSL complex subunit 1). Cytogenetic location: 17q21.31.
Variant type: single nucleotide variant.
Coding change: c.1615T>C on transcript NM_015443.4 (MANE Select); coding-DNA position 1615, T replaced by C.
Protein change: p.Cys539Arg; replaces cysteine 539 with arginine.
Molecular consequence: missense variant.
Genome position (GRCh38, 1-based): chr17:46,067,586, A>G on the plus strand (T>C on the coding strand, the complement: KANSL1 is on the minus strand). VCF-style: chr17-46067586-A-G. GRCh37 (hg19) VCF-style: chr17-44144952-A-G.
Other names: c.1615T>C, p.Cys539Arg (NM_001405872.1, NM_001405873.1, NM_001405874.1 and 14 more transcripts); c.1513T>C, p.Cys505Arg (NM_001405881.1, NM_001405859.1, NM_001405860.1 and 1 more transcripts); c.349T>C, p.Cys117Arg (NM_001405882.1, NM_001405883.1, NM_001405884.1 and 1 more transcripts); short protein forms C117R, C505R, C539R.
Identifiers: ClinVar variation 2961284 (VCV002961284.3), dbSNP rs745919501, ClinGen allele CA291126737.